The following is an entry in ClinVar:

NM_025233.7(COASY):c.53dup (p.Ala19fs)

Gene: COASY (Coenzyme A synthase; plus strand). Cytogenetic location: 17q21.2.
Variant type: Duplication.
Coding change: c.53dup on transcript NM_025233.7 (MANE Select); coding-DNA position 53, one base duplicated (T; older notation c.53dupT).
Protein change: p.Ala19fs; shifts the reading frame from alanine 19.
Molecular consequence: frameshift variant.
Genome position (GRCh38, 1-based): chr17:42,562,675, T duplicated. VCF-style (leftmost placement, unchanged base first): chr17-42562674-C-CT. GRCh37 (hg19) VCF-style: chr17-40714692-C-CT.
Other names: c.53dup, p.Ala19fs (NM_001042529.3); c.140dup, p.Ala48fs (NM_001042532.4); short protein forms A48fs, A19fs.
Identifiers: ClinVar variation 2079887 (VCV002079887.6), dbSNP rs751753677, ClinGen allele CA8577899.

ClinVar aggregate classification (germline): Conflicting classifications of pathogenicity. Review status: criteria provided, conflicting classifications (1 of 4 stars). 3 submissions from 3 submitters: Pathogenic (1); Likely pathogenic (1); Uncertain significance (1). Last evaluated 2024-06-17.

Conditions:
Neurodegeneration with brain iron accumulation 6 (NBIA6). Also called: COASY protein-associated neurodegeneration. Identifiers: Orphanet 397725, MedGen C4517377, MONDO:0014290, OMIM 615643.
Pontocerebellar hypoplasia, type 12. Identifiers: Orphanet 611256, MedGen C4748873, MONDO:0032643, OMIM 618266.

Allele frequency attached by ClinVar (database versions not stated): gnomAD 0.00002; ExAC 0.00003; ESP Exome Variant Server 0.00008; gnomAD exomes 0.00002; TOPMed 0.00003.

Submissions (3):

Fulgent Genetics
Classification: Likely pathogenic for Neurodegeneration with brain iron accumulation 6; Pontocerebellar hypoplasia, type 12. Last evaluated: 2024-06-17. Review status: criteria provided, single submitter. Criteria: ACMG Guidelines, 2015. Collection method: clinical testing. Allele origin: germline.

Ambry Genetics
Classification: Uncertain significance. Last evaluated: 2022-11-14. Review status: criteria provided, single submitter. Criteria: Ambry Variant Classification Scheme 2023. Collection method: clinical testing. Allele origin: germline.
Comment: Does not currently meet published gene-disease clinical validity criteria for this gene (Smith, 2017) Based on insufficient or conflicting evidence, the clinical significance of this alteration remains unclear.

Labcorp Genetics (formerly Invitae), Labcorp
Classification: Pathogenic for Neurodegeneration with brain iron accumulation 6. Last evaluated: 2022-11-03. Review status: criteria provided, single submitter. Criteria: Invitae Variant Classification Sherloc (09022015). Collection method: clinical testing. Allele origin: germline.
Comment: For these reasons, this variant has been classified as Pathogenic. This variant has not been reported in the literature in individuals affected with COASY-related conditions. This variant is present in population databases (rs751753677, gnomAD 0.004%). This sequence change creates a premature translational stop signal (p.Ala19Serfs*45) in the COASY gene. It is expected to result in an absent or disrupted protein product. Loss-of-function variants in COASY are known to be pathogenic (PMID: 24360804, 30089828).

Literature cited by the submitters: PubMed 28106320 (cited by Ambry Genetics); PubMed 24360804 (cited by Labcorp Genetics (formerly Invitae), Labcorp); PubMed 30089828 (cited by Labcorp Genetics (formerly Invitae), Labcorp).